The following is an entry in ClinVar:

ClinVar aggregate classification (germline): Pathogenic (1 of 4 stars; one submission).

Conditions:
Fabry disease. Also called: ALPHA-GALACTOSIDASE A DEFICIENCY; ANDERSON-FABRY DISEASE; CERAMIDE TRIHEXOSIDASE DEFICIENCY; GLA DEFICIENCY; HEREDITARY DYSTOPIC LIPIDOSIS; Angiokeratoma corporis diffusum. Identifiers: Orphanet 324, MedGen C0002986, MONDO:0010526, OMIM 301500, HP:0001071. Disease mechanism: Fabry disease is due to inactivating mutations in the X-linked GLA gene resulting in deficiency of the enzyme Alpha Galactosidase-A., loss of function.

Submission:

Genomenon, Inc
Classification: Pathogenic for Fabry disease. Last evaluated: 2026-09-08. Review status: criteria provided, single submitter. Criteria: Genomenon Sequence Variant Interpretation Standards - Updated. Collection method: curation. Allele origin: germline. Affected: yes.
Comment: GLA p.Cys56Ter (c.168C>A) is a nonsense variant that introduces a premature stop codon at amino acid position 56 and is predicted to result in a truncated or absent protein product. This variant has been observed in at least one proband with clinical features consistent with Fabry disease (PMID:16595074;33915609). Functional or patient cell studies have been reported (PMID:16595074;33915609). It is absent or not present at a significant frequency in gnomAD. In conclusion, we classify GLA p.Cys56Ter (c.168C>A) as a pathogenic variant.

Literature cited by the submitters: PubMed 16595074; PubMed 33915609.

NM_000169.3(GLA):c.168C>A (p.Cys56Ter)

Genes: GLA (galactosidase alpha; minus strand), RPL36A-HNRNPH2 (RPL36A-HNRNPH2 readthrough; plus strand). Cytogenetic location: Xq22.1.
Variant type: single nucleotide variant.
Coding change: c.168C>A on transcript NM_000169.3 (MANE Select); coding-DNA position 168, C replaced by A.
Protein change: p.Cys56Ter; replaces cysteine 56 with a stop codon.
Molecular consequence: nonsense. On other transcripts: non-coding transcript variant (3), intron variant (2).
Genome position (GRCh38, 1-based): chrX:101,407,736, G>T on the plus strand (C>A on the coding strand, the complement: GLA is on the minus strand). VCF-style: chrX-101407736-G-T. GRCh37 (hg19) VCF-style: chrX-100662724-G-T.
Other names: c.168C>A, p.Cys56Ter (NM_001406747.1, NM_001406748.1, NM_001406749.1); c.301-4200G>T (NM_001199973.2); c.178-4200G>T (NM_001199974.2); short protein forms C56*.
Identifiers: ClinVar variation 4087140 (VCV004087140.2).
Genomic context (GRCh38, chrX:101,407,736, plus strand): 5'-AAGCAAAGGGAAGGGAGTACCCAATATCTGATACCTGATGCAGGAATCTGGCTCTTCCTG[G>T]CAGTCAAGGTTGCACATGAAGCGCTCCCAGTGCAGCCAGCCCATGGTAGGCGTCCTTGCC-3'